The following is an entry in ClinVar:

NM_015158.5(KANK1):c.1491G>A (p.Ser497=)

Gene: KANK1 (KN motif and ankyrin repeat domains 1; plus strand). Cytogenetic location: 9p24.3.
Variant type: single nucleotide variant.
Coding change: c.1491G>A on transcript NM_015158.5 (MANE Select); coding-DNA position 1491, G replaced by A.
Protein change: p.Ser497=; no amino-acid change (serine 497 retained).
Molecular consequence: synonymous variant. On other transcripts: non-coding transcript variant (1).
Genome position (GRCh38, 1-based): chr9:712,257, G>A. VCF-style: chr9-712257-G-A. GRCh37 (hg19) VCF-style: chr9-712257-G-A.
Other names: c.1491G>A, p.Ser497= (NM_001256876.3, NM_001256877.3, NM_001354331.2 and 2 more transcripts); c.1017G>A, p.Ser339= (NM_001354333.2, NM_001354335.2, NM_001354336.2 and 9 more transcripts).
Identifiers: ClinVar variation 718827 (VCV000718827.21), dbSNP rs114649126, ClinGen allele CA4960236.

ClinVar aggregate classification (germline): Likely benign. Review status: criteria provided, multiple submitters, no conflicts (2 of 4 stars). 6 submissions from 6 submitters: Likely benign (4). 2 of the submissions do not count toward it. Last evaluated 2026-02-01.

Conditions:
Cerebral palsy, spastic quadriplegic, 2 (CPSQ2). Identifiers: Orphanet 210141, MedGen C2752061, MONDO:0013033, OMIM 612900.

Allele frequency attached by ClinVar (database versions not stated): 1000 Genomes Project 30x 0.00016; 1000 Genomes Project 0.00020; gnomAD 0.00071 and 0.00081; gnomAD exomes 0.00076; TOPMed 0.00080; ExAC 0.00098; ESP Exome Variant Server 0.00108.
gnomAD v4.1: 1,406 of 1,614,136 alleles (0.087%); highest among the groups gnomAD compares: Non-Finnish European, 0.11%; no homozygotes.

Submissions (6):

CeGaT Center for Human Genetics Tuebingen
Classification: Likely benign. Last evaluated: 2026-02-01. Review status: criteria provided, single submitter. Criteria: CeGaT Center For Human Genetics Tuebingen Variant Classification Criteria Version 2. Collection method: clinical testing. Allele origin: germline. Affected: yes. Observed: 3 variant alleles.
Comment: KANK1: BP4, BP7

Labcorp Genetics (formerly Invitae), Labcorp
Classification: Likely benign. Last evaluated: 2025-11-21. Review status: criteria provided, single submitter. Criteria: Invitae Variant Classification Sherloc (09022015). Collection method: clinical testing. Allele origin: germline.

Blueprint Genetics
Classification: Likely benign. Last evaluated: 2024-10-14. Review status: criteria provided, single submitter. Criteria: ACMG Guidelines, 2015. Collection method: clinical testing. Allele origin: germline.

Fulgent Genetics
Classification: Likely benign for Cerebral palsy, spastic quadriplegic, 2. Last evaluated: 2021-10-18. Review status: criteria provided, single submitter. Criteria: ACMG Guidelines, 2015. Collection method: clinical testing. Allele origin: unknown.

Clinical Genetics DNA and cytogenetics Diagnostics Lab, Erasmus MC, Erasmus Medical Center
Classification: Likely benign. Review status: no assertion criteria provided. Collection method: clinical testing. Allele origin: germline. Affected: yes. Study: VKGL Data-share Consensus. Not counted in ClinVar's aggregate classification.

Genome Diagnostics Laboratory, University Medical Center Utrecht
Classification: Likely benign. Review status: no assertion criteria provided. Collection method: clinical testing. Allele origin: germline. Affected: yes. Study: VKGL Data-share Consensus. Not counted in ClinVar's aggregate classification.